The following is an entry in ClinVar:

NM_000536.4(RAG2):c.464T>C (p.Leu155Pro)

Gene: RAG2 (recombination activating 2; minus strand). Cytogenetic location: 11p12.
Variant type: single nucleotide variant.
Coding change: c.464T>C on transcript NM_000536.4 (MANE Select); coding-DNA position 464, T replaced by C.
Protein change: p.Leu155Pro; replaces leucine 155 with proline.
Molecular consequence: missense variant.
Genome position (GRCh38, 1-based): chr11:36,593,705, A>G on the plus strand (T>C on the coding strand, the complement: RAG2 is on the minus strand). VCF-style: chr11-36593705-A-G. GRCh37 (hg19) VCF-style: chr11-36615255-A-G.
Other names: c.464T>C, p.Leu155Pro (NM_001243785.2, NM_001243786.2); short protein forms L155P.
Identifiers: ClinVar variation 418452 (VCV000418452.11), dbSNP rs1064793250, ClinGen allele CA16619321.

ClinVar aggregate classification (germline): Pathogenic/Likely pathogenic. Review status: criteria provided, multiple submitters, no conflicts (2 of 4 stars). 6 submissions from 6 submitters: Pathogenic (1); Likely pathogenic (5). Last evaluated 2025-11-17.

Conditions:
Recombinase activating gene 2 deficiency. Also called: RAG2 deficiency. Identifiers: MedGen CN257931, MONDO:0000573.
Combined immunodeficiency with skin granulomas. Identifiers: Orphanet 157949, MedGen C2673536, MONDO:0009306, OMIM 233650.
Severe combined immunodeficiency, autosomal recessive, T cell-negative, B cell-negative, NK cell-positive. Also called: SCID, T CELL-NEGATIVE, B CELL-NEGATIVE, NK CELL-POSITIVE; Severe combined immunodeficiency due to complete RAG1/2 deficiency; SCID, AR, T-cell negative, B-cell negative, NK cell-positive. Identifiers: Orphanet 331206, MedGen C1832322, MONDO:0011086, OMIM 601457.
Severe combined immunodeficiency disease. Also called: Severe Combined Immune Deficiency; Severe combined immunodeficiency. Identifiers: Orphanet 183660, MedGen C0085110, MeSH D016511, MONDO:0015974, HP:0004430. Inheritance: X-Linked or Autosomal recessive.
Histiocytic medullary reticulosis. Also called: SEVERE COMBINED IMMUNODEFICIENCY WITH HYPEREOSINOPHILIA; Omenn syndrome. Identifiers: Orphanet 39041, MedGen C2700553, MONDO:0011338, OMIM 603554.

Allele frequency attached by ClinVar (database versions not stated): gnomAD exomes below 0.00001 and 0.00001; gnomAD 0.00001; TOPMed 0.00001.
gnomAD v4.1: 2 of 1,614,088 alleles (0.00012%); highest among the groups gnomAD compares: Admixed American, 0.0033%; no homozygotes.

Submissions (6):

Myriad Genetics, Inc.
Classification: Likely pathogenic for Recombinase activating gene 2 deficiency. Last evaluated: 2025-11-17. Review status: criteria provided, single submitter. Criteria: Myriad Autosomal Dominant, Autosomal Recessive and X-Linked Classification Criteria (2023). Collection method: clinical testing. Allele origin: unknown.
Comment: NM_001243785.1(RAG2):c.464T>C(L155P) is a missense variant classified as likely pathogenic in the context of severe combined immunodeficiency, RAG2-related. L155P has been observed in cases with relevant disease (PMID: 33954879, 31672859, Article_Osorno_2023). Relevant functional assessments of this variant are available in the literature (PMID: 39792639). L155P has been observed in referenced population frequency databases. In summary, NM_001243785.1(RAG2):c.464T>C(L155P) is a missense variant that has functional support for pathogenicity and has been observed more frequently in cases with the relevant disease than in healthy populations. Please note: this variant was assessed in the context of healthy population screening.

Natera, Inc.
Classification: Likely pathogenic for Omenn syndrome. Last evaluated: 2025-07-25. Review status: criteria provided, single submitter. Criteria: Natera Variant Classification Schema (03/2026). Collection method: clinical testing. Allele origin: germline.
Comment: The c.464T>C variant in RAG2 is a missense variant predicted to cause substitution of leucine to proline at amino acid 155. This variant is rare in the general population with a frequency below the threshold expected for the associated phenotype(s). This variant has been observed in one or more individuals affected with the associated recessive disease, as either homozygous or compound heterozygous with a second variant (PMID: 39792639). Functional studies show that this variant may disrupt protein function (PMID: 39792639). Computational prediction algorithms indicate this variant is likely to affect gene or protein function. Given the available evidence, this variant is classified as Likely Pathogenic.

Women's Health and Genetics/Laboratory Corporation of America, LabCorp
Classification: Likely pathogenic for Severe combined immunodeficiency disease. Last evaluated: 2025-06-25. Review status: criteria provided, single submitter. Criteria: LabCorp Variant Classification Summary - May 2015. Collection method: clinical testing. Allele origin: germline.
Comment: Variant summary: RAG2 c.464T>C (p.Leu155Pro) results in a non-conservative amino acid change in the encoded protein sequence. Algorithms developed to predict the effect of missense changes on protein structure and function all suggest that this variant is likely to be disruptive. The variant allele was found at a frequency of 8e-06 in 251078 control chromosomes (gnomAD). c.464T>C has been observed in individuals affected with clinical features of Severe Combined Immunodeficiency (Lugo-Reyes_2021. Bosticardo_2025, internal data). These data indicate that the variant may be associated with disease. At least one publication reports experimental evidence evaluating an impact on protein function. The most pronounced variant effect results in <10% of normal activity (Bosticardo_2025). The following publications have been ascertained in the context of this evaluation (PMID: 39792639, 33954879). ClinVar contains an entry for this variant (Variation ID: 418452). Based on the evidence outlined above, the variant was classified as likely pathogenic.

Labcorp Genetics (formerly Invitae), Labcorp
Classification: Pathogenic for Combined immunodeficiency with skin granulomas; Severe combined immunodeficiency, autosomal recessive, T cell-negative, B cell-negative, NK cell-positive. Last evaluated: 2024-12-02. Review status: criteria provided, single submitter. Criteria: Invitae Variant Classification Sherloc (09022015). Collection method: clinical testing. Allele origin: germline.
Comment: This sequence change replaces leucine, which is neutral and non-polar, with proline, which is neutral and non-polar, at codon 155 of the RAG2 protein (p.Leu155Pro). This variant is present in population databases (no rsID available, gnomAD 0.006%). This missense change has been observed in individual(s) with clinical features of severe combined immunodeficiency (PMID: 33954879; internal data). ClinVar contains an entry for this variant (Variation ID: 418452). Invitae Evidence Modeling of protein sequence and biophysical properties (such as structural, functional, and spatial information, amino acid conservation, physicochemical variation, residue mobility, and thermodynamic stability) has been performed for this missense variant. However, the output from this modeling did not meet the statistical confidence thresholds required to predict the impact of this variant on RAG2 protein function. For these reasons, this variant has been classified as Pathogenic.

Baylor Genetics
Classification: Likely pathogenic for Combined immunodeficiency with skin granulomas. Last evaluated: 2023-09-30. Review status: criteria provided, single submitter. Criteria: ACMG Guidelines, 2015. Collection method: clinical testing. Allele origin: unknown.

GeneDx
Classification: Likely pathogenic. Last evaluated: 2014-09-09. Review status: criteria provided, single submitter. Criteria: GeneDx Variant Classification (06012015). Collection method: clinical testing. Allele origin: germline. Affected: yes.
Comment: A novel L155P variant that is likely pathogenic was identified in the RAG2 gene. It has not been published as a pathogenic variant, nor has it been reported as a benign polymorphism to our knowledge. The L155P variant was not observed in approximately 6,500 individuals of European and African American ancestry in an external variant database, indicating it is not a common benign variant in these populations. The L155P variant is a semi-conservative amino acid substitution, which may impact secondary protein structure as these residues differ in some properties. This substitution occurs at a position that is conserved across placental mammalian species. In silico analysis predicts this variant is probably damaging to the protein structure/function. Missense variants in nearby residues (G157V, S160L) have been reported in the Human Gene Mutation Database in association with RAG2-related immunodeficiency (Stenson et al., 2009), supporting the functional importance of this region of the protein. Therefore, this is a strong candidate for a pathogenic variant, however the possibility that it is a benign variant cannot be excluded.

Literature cited by the submitters: PubMed 39792639 (cited by 3 submitters); PubMed 33954879 (cited by Women's Health and Genetics/Laboratory Corporation of America, LabCorp and Labcorp Genetics (formerly Invitae), Labcorp).